The following is an entry in ClinVar:

NM_003482.4(KMT2D):c.3819C>T (p.Cys1273=)

Genes: KMT2D (lysine methyltransferase 2D; minus strand), LOC126861520 (CDK7 strongly-dependent group 2 enhancer GRCh37_chr12:49442744-49443943; plus strand). Cytogenetic location: 12q13.12.
Variant type: single nucleotide variant.
Coding change: c.3819C>T on transcript NM_003482.4 (MANE Select); coding-DNA position 3819, C replaced by T.
Protein change: p.Cys1273=; no amino-acid change (cysteine 1273 retained).
Molecular consequence: synonymous variant.
Genome position (GRCh38, 1-based): chr12:49,049,769, G>A on the plus strand (C>T on the coding strand, the complement: KMT2D is on the minus strand). VCF-style: chr12-49049769-G-A. GRCh37 (hg19) VCF-style: chr12-49443552-G-A.
Identifiers: ClinVar variation 259057 (VCV000259057.15), dbSNP rs373373098, ClinGen allele CA6547985.
Genomic context (GRCh38, chr12:49,049,769, plus strand): 5'-GCTGCGCCGCCGCCCCTTCTCCCCCTCAGCTTTGCCTCCGCTGATAGCTGTCCCAGCATC[G>A]CACAATAGTGAGTCATCAGTCTCTGGCAGTGAGTCAGTACAGAGCCGTAGGGAGCCCTCA-3'
Protein context (NP_003473.3, residues 1263-1283): SLPETDDSLL[Cys1273=]DAGTAISGGK

ClinVar aggregate classification (germline): Benign/Likely benign. Review status: criteria provided, multiple submitters, no conflicts (2 of 4 stars). 4 submissions from 4 submitters: Benign (2); Likely benign (1). 1 of the submissions does not count toward it. Last evaluated 2025-12-26.

Conditions:
Kabuki syndrome. Also called: Kabuki make-up syndrome; NIIKAWA-KUROKI SYNDROME. Identifiers: Orphanet 2322, MedGen C0796004, MONDO:0016512.
KMT2D-related disorder. Also called: KMT2D-Related Disorders.

Allele frequency attached by ClinVar (database versions not stated): gnomAD exomes 0.00090 and 0.00042; ExAC 0.00098; 1000 Genomes Project 30x 0.00172; 1000 Genomes Project 0.00200; gnomAD 0.00004 and 0.00031; TOPMed 0.00008; ESP Exome Variant Server 0.00016.
gnomAD v4.1: 672 of 1,613,414 alleles (0.042%); highest among the groups gnomAD compares: South Asian, 0.67%; 7 homozygotes.

Submissions (4):

Labcorp Genetics (formerly Invitae), Labcorp
Classification: Benign for Kabuki syndrome. Last evaluated: 2025-12-26. Review status: criteria provided, single submitter. Criteria: Invitae Variant Classification Sherloc (09022015). Collection method: clinical testing. Allele origin: germline.

Blueprint Genetics
Classification: Likely benign. Last evaluated: 2024-10-28. Review status: criteria provided, single submitter. Criteria: ACMG Guidelines, 2015. Collection method: clinical testing. Allele origin: germline.

GeneDx
Classification: Benign. Last evaluated: 2019-08-26. Review status: criteria provided, single submitter. Criteria: GeneDx Variant Classification Process June 2021. Collection method: clinical testing. Allele origin: germline. Affected: yes.

PreventionGenetics, part of Exact Sciences
Classification: Benign for KMT2D-related condition. Last evaluated: 2022-05-23. Review status: no assertion criteria provided. Collection method: clinical testing. Allele origin: germline. Not counted in ClinVar's aggregate classification.
Comment: This variant is classified as benign based on ACMG/AMP sequence variant interpretation guidelines (Richards et al. 2015 PMID: 25741868, with internal and published modifications).